The following is an entry in ClinVar:

ClinVar aggregate classification (germline): Benign/Likely benign. Review status: criteria provided, multiple submitters, no conflicts (2 of 4 stars). 3 submissions from 3 submitters: Benign (2); Likely benign (1). Last evaluated 2025-03-31.

Conditions:
ROBO3-related disorder. Also called: ROBO3-related condition.
Gaze palsy, familial horizontal, with progressive scoliosis 1 (HGPPS1). Identifiers: Orphanet 2744, MedGen C4551964, MONDO:0020790, OMIM 607313.

Allele frequency attached by ClinVar (database versions not stated): gnomAD exomes 0.00034 and 0.00110; gnomAD 0.00036 and 0.00051; TOPMed 0.00078; 1000 Genomes Project 0.00180; ExAC 0.00195; 1000 Genomes Project 30x 0.00203.
gnomAD v4.1: 593 of 1,595,320 alleles (0.037%); highest among the groups gnomAD compares: East Asian, 1%; 5 homozygotes.

Submissions (3):

PreventionGenetics, part of Exact Sciences
Classification: Likely benign for ROBO3-related condition. Last evaluated: 2025-03-31. Review status: criteria provided, single submitter. Criteria: ACMG Guidelines, 2015. Collection method: clinical testing. Allele origin: germline.
Comment: This variant is classified as likely benign based on ACMG/AMP sequence variant interpretation guidelines (Richards et al. 2015 PMID: 25741868, with internal and published modifications).

Labcorp Genetics (formerly Invitae), Labcorp
Classification: Benign. Last evaluated: 2018-07-17. Review status: criteria provided, single submitter. Criteria: Invitae Variant Classification Sherloc (09022015). Collection method: clinical testing. Allele origin: germline.

Illumina Laboratory Services, Illumina
Classification: Benign for Gaze palsy, familial horizontal, with progressive scoliosis 1. Last evaluated: 2018-01-13. Review status: criteria provided, single submitter. Criteria: ICSL Variant Classification Criteria 13 December 2019. Collection method: clinical testing. Allele origin: germline.
Comment: This variant was observed in the ICSL laboratory as part of a predisposition screen in an ostensibly healthy population. It had not been previously curated by ICSL or reported in the Human Gene Mutation Database (HGMD: prior to June 1st, 2018), and was therefore a candidate for classification through an automated scoring system. Utilizing variant allele frequency, disease prevalence and penetrance estimates, and inheritance mode, an automated score was calculated to assess if this variant is too frequent to cause the disease. Based on the score and internal cut-off values, a variant classified as benign is not then subjected to further curation. The score for this variant resulted in a classification of benign for this disease.

NM_022370.4(ROBO3):c.1331-3C>T

Gene: ROBO3 (roundabout guidance receptor 3; plus strand). Cytogenetic location: 11q24.2.
Variant type: single nucleotide variant.
Coding change: c.1331-3C>T on transcript NM_022370.4 (MANE Select); 3 bases into the intron before coding-DNA position 1331, C replaced by T.
Molecular consequence: intron variant.
Genome position (GRCh38, 1-based): chr11:124,872,881, C>T. VCF-style: chr11-124872881-C-T. GRCh37 (hg19) VCF-style: chr11-124742777-C-T.
Identifiers: ClinVar variation 303237 (VCV000303237.9), dbSNP rs117828759, ClinGen allele CA6343473.